The following is an entry in ClinVar:

NM_003738.5(PTCH2):c.2812G>A (p.Gly938Ser)

Gene: PTCH2 (patched 2; minus strand). Cytogenetic location: 1p34.1.
Variant type: single nucleotide variant.
Coding change: c.2812G>A on transcript NM_003738.5 (MANE Select); coding-DNA position 2812, G replaced by A.
Protein change: p.Gly938Ser; replaces glycine 938 with serine.
Molecular consequence: missense variant.
Genome position (GRCh38, 1-based): chr1:44,826,652, C>T on the plus strand (G>A on the coding strand, the complement: PTCH2 is on the minus strand). VCF-style: chr1-44826652-C-T. GRCh37 (hg19) VCF-style: chr1-45292324-C-T.
Other names: c.2812G>A, p.Gly938Ser (NM_001166292.2); short protein forms G938S.
Identifiers: ClinVar variation 969871 (VCV000969871.11), dbSNP rs746898559, ClinGen allele CA822879.

ClinVar aggregate classification (germline): Uncertain significance. Review status: criteria provided, multiple submitters, no conflicts (2 of 4 stars). 3 submissions from 3 submitters: Uncertain significance (3). Last evaluated 2025-07-30.

Conditions:
Medulloblastoma (MDB). Also called: Medulloblastoma, somatic; MEDULLOBLASTOMA PREDISPOSITION SYNDROME. Identifiers: Orphanet 616, MedGen C0025149, MeSH D008527, MONDO:0007959, OMIM 155255, HP:0002885.
Basal cell carcinoma, susceptibility to, 1. Also called: BCC1. Identifiers: MedGen C2751544, MONDO:0011556, OMIM 605462.
Gorlin syndrome. Also called: Nevoid Basal Cell Carcinoma Syndrome; Basal cell nevus syndrome. Identifiers: Orphanet 377, MedGen C0004779, MONDO:0007187.

Allele frequency attached by ClinVar (database versions not stated): gnomAD 0.00001; gnomAD exomes 0.00001 and 0.00002; ExAC 0.00002; TOPMed 0.00002.
gnomAD v4.1: 22 of 1,611,882 alleles (0.0014%); highest among the groups gnomAD compares: Admixed American, 0.005%; no homozygotes.

Submissions (3):

Labcorp Genetics (formerly Invitae), Labcorp
Classification: Uncertain significance for Gorlin syndrome. Last evaluated: 2025-07-30. Review status: criteria provided, single submitter. Criteria: Invitae Variant Classification Sherloc (09022015). Collection method: clinical testing. Allele origin: germline.
Comment: This sequence change replaces glycine, which is neutral and non-polar, with serine, which is neutral and polar, at codon 938 of the PTCH2 protein (p.Gly938Ser). This variant is present in population databases (rs746898559, gnomAD 0.003%). This variant has not been reported in the literature in individuals affected with PTCH2-related conditions. ClinVar contains an entry for this variant (Variation ID: 969871). Invitae Evidence Modeling of protein sequence and biophysical properties (such as structural, functional, and spatial information, amino acid conservation, physicochemical variation, residue mobility, and thermodynamic stability) indicates that this missense variant is not expected to disrupt PTCH2 protein function with a negative predictive value of 80%. In summary, the available evidence is currently insufficient to determine the role of this variant in disease. Therefore, it has been classified as a Variant of Uncertain Significance.

Ambry Genetics
Classification: Uncertain significance. Last evaluated: 2024-11-10. Review status: criteria provided, single submitter. Criteria: Ambry Variant Classification Scheme 2023. Collection method: clinical testing. Allele origin: germline.

Fulgent Genetics
Classification: Uncertain significance for Medulloblastoma; Basal cell carcinoma, susceptibility to, 1. Last evaluated: 2024-02-21. Review status: criteria provided, single submitter. Criteria: ACMG Guidelines, 2015. Collection method: clinical testing. Allele origin: germline.